The following is an entry in ClinVar:

ClinVar aggregate classification (germline): Uncertain significance (1 of 4 stars; one submission).

Conditions:
Aicardi-Goutieres syndrome 5. Identifiers: Orphanet 51, MedGen C2749659, MONDO:0013059, OMIM 612952.

Submission:

Labcorp Genetics (formerly Invitae), Labcorp
Classification: Uncertain significance for Aicardi-Goutieres syndrome 5. Last evaluated: 2022-07-17. Review status: criteria provided, single submitter. Criteria: Invitae Variant Classification Sherloc (09022015). Collection method: clinical testing. Allele origin: germline.
Comment: This sequence change replaces lysine, which is basic and polar, with arginine, which is basic and polar, at codon 560 of the SAMHD1 protein (p.Lys560Arg). This variant is not present in population databases (gnomAD no frequency). This variant has not been reported in the literature in individuals affected with SAMHD1-related conditions. Algorithms developed to predict the effect of missense changes on protein structure and function output the following: SIFT: "Tolerated"; PolyPhen-2: "Benign"; Align-GVGD: "Class C0". The arginine amino acid residue is found in multiple mammalian species, which suggests that this missense change does not adversely affect protein function. Experimental studies have shown that this missense change does not substantially affect SAMHD1 function (PMID: 31797533). In summary, the available evidence is currently insufficient to determine the role of this variant in disease. Therefore, it has been classified as a Variant of Uncertain Significance.

Literature cited by the submitters: PubMed 31797533.

NM_015474.4(SAMHD1):c.1679A>G (p.Lys560Arg)

Gene: SAMHD1 (SAM and HD domain containing deoxynucleoside triphosphate triphosphohydrolase 1; minus strand). Cytogenetic location: 20q11.23.
Variant type: single nucleotide variant.
Coding change: c.1679A>G on transcript NM_015474.4 (MANE Select); coding-DNA position 1679, A replaced by G.
Protein change: p.Lys560Arg; replaces lysine 560 with arginine.
Molecular consequence: missense variant.
Genome position (GRCh38, 1-based): chr20:36,897,889, T>C on the plus strand (A>G on the coding strand, the complement: SAMHD1 is on the minus strand). VCF-style: chr20-36897889-T-C. GRCh37 (hg19) VCF-style: chr20-35526292-T-C.
Other names: c.1574A>G, p.Lys525Arg (NM_001363729.2); c.1679A>G, p.Lys560Arg (NM_001363733.2); short protein forms K560R, K525R.
Identifiers: ClinVar variation 1923273 (VCV001923273.2), dbSNP rs2515217399, ClinGen allele CA408839460.
Genomic context (GRCh38, chr20:36,897,889, plus strand): 5'-TTGGTGAAATTTCTGTCTGCACACCACTGAACAAAATATTGTCTTGCGGCATACAAACTC[T>C]TTCTGTCCACCTTCTTACAATATACTCGAATCAGCTGCTCTGCAAATTTCTCTGGCAGAA-3'
Protein context (NP_056289.2, residues 550-570): IRVYCKKVDR[Lys560Arg]SLYAARQYFV